The following is an entry in ClinVar:

NM_053025.4(MYLK):c.4439G>A (p.Arg1480Gln)

Gene: MYLK (myosin light chain kinase; minus strand). Cytogenetic location: 3q21.1.
Variant type: single nucleotide variant.
Coding change: c.4439G>A on transcript NM_053025.4 (MANE Select); coding-DNA position 4439, G replaced by A.
Protein change: p.Arg1480Gln; replaces arginine 1480 with glutamine.
Molecular consequence: missense variant.
Genome position (GRCh38, 1-based): chr3:123,647,404, C>T on the plus strand (G>A on the coding strand, the complement: MYLK is on the minus strand). VCF-style: chr3-123647404-C-T. GRCh37 (hg19) VCF-style: chr3-123366251-C-T.
Other names: c.3911G>A, p.Arg1304Gln (NM_001321309.2); c.4232G>A, p.Arg1411Gln (NM_053026.4, NM_053028.4); c.4439G>A, p.Arg1480Gln (NM_053027.4); short protein forms R1304Q, R1411Q, R1480Q.
Identifiers: ClinVar variation 1015193 (VCV001015193.10), dbSNP rs1397757032, ClinGen allele CA354227347.
Genomic context (GRCh38, chr3:123,647,404, plus strand): 5'-GCTGAATATGCCTTGAAGAACTTCCCTGCCCAGACTTTTCGAGTTTTCTTTTCTACAAGT[C>T]GAAAGACCTGTCCAAATTTCCCACTGCAAATGAAAGGGGGAGGAGAGAAAAGCCACATTT-3'
Protein context (NP_444253.3, residues 1470-1490): LGSGKFGQVF[Arg1480Gln]LVEKKTRKVW

ClinVar aggregate classification (germline): Uncertain significance. Review status: criteria provided, multiple submitters, no conflicts (2 of 4 stars). 3 submissions from 3 submitters: Uncertain significance (3). Last evaluated 2025-08-21.

Conditions:
Aortic aneurysm, familial thoracic 7 (AAT7). Also called: AORTIC DISSECTION, FAMILIAL, WITH OR WITHOUT AORTIC ANEURYSM. Identifiers: MedGen C3151077, MONDO:0013418, OMIM 613780.
Megacystis-microcolon-intestinal hypoperistalsis syndrome 1. Identifiers: MedGen C5542316, MONDO:0100354, OMIM 249210.
Familial thoracic aortic aneurysm and aortic dissection (TAAD). Also called: Thoracic aortic aneurysms and dissections. Identifiers: Orphanet 91387, MedGen C4707243, MONDO:0019625.

Allele frequency attached by ClinVar (database versions not stated): gnomAD 0.00001.
gnomAD v4.1: 11 of 1,614,044 alleles (0.00068%); highest among the groups gnomAD compares: East Asian, 0.0022%; no homozygotes.

Submissions (3):

Labcorp Genetics (formerly Invitae), Labcorp
Classification: Uncertain significance for Aortic aneurysm, familial thoracic 7. Last evaluated: 2025-08-21. Review status: criteria provided, single submitter. Criteria: Invitae Variant Classification Sherloc (09022015). Collection method: clinical testing. Allele origin: germline.
Comment: This sequence change replaces arginine, which is basic and polar, with glutamine, which is neutral and polar, at codon 1480 of the MYLK protein (p.Arg1480Gln). This variant is present in population databases (no rsID available, gnomAD 0.01%). This variant has not been reported in the literature in individuals affected with MYLK-related conditions. ClinVar contains an entry for this variant (Variation ID: 1015193). Invitae Evidence Modeling of protein sequence and biophysical properties (such as structural, functional, and spatial information, amino acid conservation, physicochemical variation, residue mobility, and thermodynamic stability) indicates that this missense variant is not expected to disrupt MYLK protein function with a negative predictive value of 80%. In summary, the available evidence is currently insufficient to determine the role of this variant in disease. Therefore, it has been classified as a Variant of Uncertain Significance.

Ambry Genetics
Classification: Uncertain significance for Familial thoracic aortic aneurysm and aortic dissection. Last evaluated: 2024-05-05. Review status: criteria provided, single submitter. Criteria: Ambry Variant Classification Scheme 2023. Collection method: clinical testing. Allele origin: germline.
Comment: The p.R1480Q variant (also known as c.4439G>A), located in coding exon 24 of the MYLK gene, results from a G to A substitution at nucleotide position 4439. The arginine at codon 1480 is replaced by glutamine, an amino acid with highly similar properties. This amino acid position is conserved. In addition, this alteration is predicted to be tolerated by in silico analysis. Since supporting evidence is limited at this time, the clinical significance of this alteration remains unclear.

Fulgent Genetics
Classification: Uncertain significance for Megacystis-microcolon-intestinal hypoperistalsis syndrome 1; Aortic aneurysm, familial thoracic 7. Last evaluated: 2021-10-04. Review status: criteria provided, single submitter. Criteria: ACMG Guidelines, 2015. Collection method: clinical testing. Allele origin: unknown.